The following is an entry in ClinVar:

ClinVar aggregate classification (germline): Uncertain significance. Review status: criteria provided, multiple submitters, no conflicts (2 of 4 stars). 2 submissions from 2 submitters: Uncertain significance (2). Last evaluated 2025-12-02.

Conditions:
Skeletal overgrowth-craniofacial dysmorphism-hyperelastic skin-white matter lesions syndrome. Also called: SKELETAL OVERGROWTH WITH FACIAL DYSMORPHISM, HYPERELASTIC SKIN, WHITE MATTER LESIONS, AND NEUROLOGIC DETERIORATION; Kosaki overgrowth syndrome. Identifiers: Orphanet 477831, MedGen C4225270, MONDO:0014704, OMIM 616592.
Infantile myofibromatosis (IMF). Also called: Congenital generalized fibromatosis. Identifiers: Orphanet 2591, MedGen C0432284, MONDO:0016824.
Basal ganglia calcification, idiopathic, 4 (PFBC4). Also called: Familial Idiopathic Basal Ganglia Calcification 4; PRIMARY FAMILIAL BRAIN CALCIFICATION 4, AUTOSOMAL DOMINANT. Identifiers: Orphanet 1980, MedGen C3554321, MONDO:0014004, OMIM 615007.
Acroosteolysis-keloid-like lesions-premature aging syndrome. Also called: Premature aging syndrome, Penttinen type; Prematurely aged appearance, delayed bone maturation, acro-osteolysis, and brachydactyly; Progeroid syndrome, Penttinen type. Identifiers: Orphanet 363665, MedGen C1866182, MONDO:0011150, OMIM 601812.
Inborn genetic diseases. Identifiers: MedGen C0950123, MeSH D030342.

gnomAD v4.1: 5 of 1,581,142 alleles (0.00032%); highest among the groups gnomAD compares: Admixed American, 0.0072%; no homozygotes.

Submissions (2):

Ambry Genetics
Classification: Uncertain significance for Inborn genetic diseases. Last evaluated: 2025-12-02. Review status: criteria provided, single submitter. Criteria: Ambry Variant Classification Scheme 2023. Collection method: clinical testing. Allele origin: germline.

Labcorp Genetics (formerly Invitae), Labcorp
Classification: Uncertain significance for Basal ganglia calcification, idiopathic, 4; Skeletal overgrowth-craniofacial dysmorphism-hyperelastic skin-white matter lesions syndrome; Infantile myofibromatosis; Acroosteolysis-keloid-like lesions-premature aging syndrome. Last evaluated: 2025-05-08. Review status: criteria provided, single submitter. Criteria: Invitae Variant Classification Sherloc (09022015). Collection method: clinical testing. Allele origin: germline.
Comment: This sequence change replaces asparagine, which is neutral and polar, with threonine, which is neutral and polar, at codon 1053 of the PDGFRB protein (p.Asn1053Thr). This variant is present in population databases (no rsID available, gnomAD 0.01%). This variant has not been reported in the literature in individuals affected with PDGFRB-related conditions. Invitae Evidence Modeling of protein sequence and biophysical properties (such as structural, functional, and spatial information, amino acid conservation, physicochemical variation, residue mobility, and thermodynamic stability) indicates that this missense variant is not expected to disrupt PDGFRB protein function with a negative predictive value of 80%. In summary, the available evidence is currently insufficient to determine the role of this variant in disease. Therefore, it has been classified as a Variant of Uncertain Significance.

NM_002609.4(PDGFRB):c.3158A>C (p.Asn1053Thr)

Gene: PDGFRB (platelet derived growth factor receptor beta; minus strand). Cytogenetic location: 5q32.
Variant type: single nucleotide variant.
Coding change: c.3158A>C on transcript NM_002609.4 (MANE Select); coding-DNA position 3158, A replaced by C.
Protein change: p.Asn1053Thr; replaces asparagine 1053 with threonine.
Molecular consequence: missense variant.
Genome position (GRCh38, 1-based): chr5:150,115,926, T>G on the plus strand (A>C on the coding strand, the complement: PDGFRB is on the minus strand). VCF-style: chr5-150115926-T-G. GRCh37 (hg19) VCF-style: chr5-149495489-T-G.
Other names: c.2966A>C, p.Asn989Thr (NM_001355016.2); c.2675A>C, p.Asn892Thr (NM_001355017.2); short protein forms N1053T, N892T, N989T.
Identifiers: ClinVar variation 4627232 (VCV004627232.2).